The following is an entry in ClinVar:

NM_001353345.2(SETD1B):c.5254T>C (p.Phe1752Leu)

Gene: SETD1B (SET domain containing 1B, histone lysine methyltransferase; plus strand). Cytogenetic location: 12q24.31.
Variant type: single nucleotide variant.
Coding change: c.5254T>C on transcript NM_001353345.2 (MANE Select); coding-DNA position 5254, T replaced by C.
Protein change: p.Phe1752Leu; replaces phenylalanine 1752 with leucine.
Molecular consequence: missense variant.
Genome position (GRCh38, 1-based): chr12:121,825,283, T>C. VCF-style: chr12-121825283-T-C. GRCh37 (hg19) VCF-style: chr12-122263189-T-C.
Other names: short protein forms F1752L.
Identifiers: ClinVar variation 5009041 (VCV005009041.1).

ClinVar aggregate classification (germline): Uncertain significance (1 of 4 stars; one submission).

Submission:

GeneDx
Classification: Uncertain significance. Last evaluated: 2026-03-18. Review status: criteria provided, single submitter. Criteria: GeneDx Variant Classification Process June 2021. Collection method: clinical testing. Allele origin: germline.
Comment: Not observed at significant frequency in large population cohorts (gnomAD); In silico analysis supports that this missense variant has a deleterious effect on protein structure/function; Has not been previously published as pathogenic or benign to our knowledge